The following is an entry in ClinVar:

NM_000069.3(CACNA1S):c.2597A>G (p.Asn866Ser)

Gene: CACNA1S (calcium voltage-gated channel subunit alpha1 S; minus strand). Cytogenetic location: 1q32.1.
Variant type: single nucleotide variant.
Coding change: c.2597A>G on transcript NM_000069.3 (MANE Select); coding-DNA position 2597, A replaced by G.
Protein change: p.Asn866Ser; replaces asparagine 866 with serine.
Molecular consequence: missense variant.
Genome position (GRCh38, 1-based): chr1:201,066,947, T>C on the plus strand (A>G on the coding strand, the complement: CACNA1S is on the minus strand). VCF-style: chr1-201066947-T-C. GRCh37 (hg19) VCF-style: chr1-201036075-T-C.
Other names: short protein forms N866S.
Identifiers: ClinVar variation 3752193 (VCV003752193.2).

ClinVar aggregate classification (germline): Uncertain significance (1 of 4 stars; one submission).

Conditions:
Hypokalemic periodic paralysis, type 1. Also called: HypoPP; Hypokalemic Periodic Paralysis Type 1 (AD). Identifiers: Orphanet 681, MedGen C3714580, MONDO:0042979, OMIM 170400.
Malignant hyperthermia, susceptibility to, 5 (MHS5). Also called: CACNA1S-Related Malignant Hyperthermia Susceptibility. Identifiers: Orphanet 423, MedGen C1866077, MONDO:0011163, OMIM 601887.

Submission:

Labcorp Genetics (formerly Invitae), Labcorp
Classification: Uncertain significance for Hypokalemic periodic paralysis, type 1; Malignant hyperthermia, susceptibility to, 5. Last evaluated: 2024-12-18. Review status: criteria provided, single submitter. Criteria: Invitae Variant Classification Sherloc (09022015). Collection method: clinical testing. Allele origin: germline.
Comment: This sequence change replaces asparagine, which is neutral and polar, with serine, which is neutral and polar, at codon 866 of the CACNA1S protein (p.Asn866Ser). This variant is not present in population databases (gnomAD no frequency). This variant has not been reported in the literature in individuals affected with CACNA1S-related conditions. Invitae Evidence Modeling of protein sequence and biophysical properties (such as structural, functional, and spatial information, amino acid conservation, physicochemical variation, residue mobility, and thermodynamic stability) indicates that this missense variant is not expected to disrupt CACNA1S protein function with a negative predictive value of 95%. In summary, the available evidence is currently insufficient to determine the role of this variant in disease. Therefore, it has been classified as a Variant of Uncertain Significance.